The following is an entry in ClinVar:

NM_020791.4(TAOK1):c.900del (p.Ala300_Val301insTer)

Gene: TAOK1 (TAO kinase 1; plus strand). Cytogenetic location: 17q11.2.
Variant type: Deletion.
Coding change: c.900del on transcript NM_020791.4 (MANE Select); coding-DNA position 900, one base deleted (A; older notation c.900delA).
Protein change: p.Ala300_Val301insTer.
Molecular consequence: frameshift variant.
Genome position (GRCh38, 1-based): chr17:29,495,628, A deleted. VCF-style (leftmost placement, unchanged base first): chr17-29495627-CA-C. GRCh37 (hg19) VCF-style: chr17-27822645-CA-C.
Other names: c.900del, p.Ala300_Val301insTer (NM_025142.1); c.900delA (NM_020791.4).
Identifiers: ClinVar variation 4887703 (VCV004887703.1).
Genomic context (GRCh38, chr17:29,495,627, plus strand): 5'-TTGTTCTTCGGGAGCGCCCTGAAACCGTGTTAATAGATCTCATTCAGAGGACAAAGGATG[CA>C]GTAAGAGAGCTGGACAATCTGCAGTATCGAAAGATGAAGAAACTCCTTTTCCAGGAGGCA-3'

ClinVar aggregate classification (germline): Pathogenic (1 of 4 stars; one submission).

Conditions:
Developmental delay with or without intellectual impairment or behavioral abnormalities. Identifiers: MedGen C5562004, MONDO:0859199, OMIM 619575.

Submission:

Women's Health and Genetics/Laboratory Corporation of America, LabCorp
Classification: Pathogenic for Developmental delay with or without intellectual impairment or behavioral abnormalities. Last evaluated: 2026-06-24. Review status: criteria provided, single submitter. Criteria: LabCorp Variant Classification Summary - May 2015. Collection method: clinical testing. Allele origin: germline.
Comment: Variant summary: TAOK1 c.900delA (p.Val301X) results in a premature termination codon, predicted to cause a truncation of the encoded protein or absence of the protein due to nonsense mediated decay, which are commonly known mechanisms for disease. Loss-of-function variants in this gene are known to be pathogenic. The variant was absent in 251372 control chromosomes. To our knowledge, no occurrence of c.900delA in individuals affected with TAOK1-related conditions and no experimental evidence demonstrating its impact on protein function have been reported. No submitters have cited clinical-significance assessments for this variant to ClinVar. Based on the evidence outlined above, the variant was classified as pathogenic.